The following is an entry in ClinVar:

NM_032444.4(SLX4):c.4010G>A (p.Arg1337Lys)

Gene: SLX4 (SLX4 structure-specific endonuclease subunit; minus strand). Cytogenetic location: 16p13.3.
Variant type: single nucleotide variant.
Coding change: c.4010G>A on transcript NM_032444.4 (MANE Select); coding-DNA position 4010, G replaced by A.
Protein change: p.Arg1337Lys; replaces arginine 1337 with lysine.
Molecular consequence: missense variant.
Genome position (GRCh38, 1-based): chr16:3,589,628, C>T on the plus strand (G>A on the coding strand, the complement: SLX4 is on the minus strand). VCF-style: chr16-3589628-C-T. GRCh37 (hg19) VCF-style: chr16-3639629-C-T.
Other names: short protein forms R1337K.
Identifiers: ClinVar variation 3707680 (VCV003707680.2).

ClinVar aggregate classification (germline): Uncertain significance (1 of 4 stars; one submission).

Conditions:
Fanconi anemia (FA). Also called: Fanconi's anemia. Identifiers: Orphanet 84, MedGen C0015625, MeSH D005199, MONDO:0019391.

Submission:

Labcorp Genetics (formerly Invitae), Labcorp
Classification: Uncertain significance for Fanconi anemia. Last evaluated: 2024-09-22. Review status: criteria provided, single submitter. Criteria: Invitae Variant Classification Sherloc (09022015). Collection method: clinical testing. Allele origin: germline.
Comment: This sequence change replaces arginine, which is basic and polar, with lysine, which is basic and polar, at codon 1337 of the SLX4 protein (p.Arg1337Lys). This variant is not present in population databases (gnomAD no frequency). This variant has not been reported in the literature in individuals affected with SLX4-related conditions. An algorithm developed to predict the effect of missense changes on protein structure and function (PolyPhen-2) suggests that this variant is likely to be disruptive. In summary, the available evidence is currently insufficient to determine the role of this variant in disease. Therefore, it has been classified as a Variant of Uncertain Significance.